The following is an entry in ClinVar:

NM_080916.3(DGUOK):c.38C>T (p.Ala13Val)

Genes: DGUOK (deoxyguanosine kinase; plus strand), LOC129934096 (ATAC-STARR-seq lymphoblastoid active region 16036; plus strand). Cytogenetic location: 2p13.1.
Variant type: single nucleotide variant.
Coding change: c.38C>T on transcript NM_080916.3 (MANE Select); coding-DNA position 38, C replaced by T.
Protein change: p.Ala13Val; replaces alanine 13 with valine.
Molecular consequence: missense variant. On other transcripts: 5 prime UTR variant (4), non-coding transcript variant (6).
Genome position (GRCh38, 1-based): chr2:73,926,948, C>T. VCF-style: chr2-73926948-C-T. GRCh37 (hg19) VCF-style: chr2-74154075-C-T.
Other names: c.38C>T, p.Ala13Val (NM_001318859.2, NM_080918.3); c.-141C>T (NM_001318860.2, NM_001318863.2); c.-227C>T (NM_001318861.2, NM_001318862.2); short protein forms A13V.
Identifiers: ClinVar variation 4997849 (VCV004997849.1).

ClinVar aggregate classification (germline): Uncertain significance (1 of 4 stars; one submission).

Conditions:
DGUOK-related disorder. Also called: DGUOK-related condition.

gnomAD v4.1: 2 of 1,613,430 alleles (0.00012%); highest among the groups gnomAD compares: Non-Finnish European, 0.000085%; no homozygotes.

Submission:

PreventionGenetics, part of Exact Sciences
Classification: Uncertain significance for DGUOK-related condition. Last evaluated: 2025-08-08. Review status: criteria provided, single submitter. Criteria: ACMG Guidelines, 2015. Collection method: clinical testing. Allele origin: germline.
Comment: The DGUOK c.38C>T variant is predicted to result in the amino acid substitution p.Ala13Val. To our knowledge, this variant has not been reported in the literature. This variant is reported in 0.0048% of alleles in individuals of European (Finnish) descent in gnomAD. At this time, the clinical significance of this variant is uncertain due to the absence of conclusive functional and genetic evidence.